The following is an entry in ClinVar:

NM_006929.5(SKIC2):c.106C>G (p.Pro36Ala)

Gene: SKIC2 (SKI2 subunit of superkiller complex; plus strand). Cytogenetic location: 6p21.33.
Variant type: single nucleotide variant.
Coding change: c.106C>G on transcript NM_006929.5 (MANE Select); coding-DNA position 106, C replaced by G.
Protein change: p.Pro36Ala; replaces proline 36 with alanine.
Molecular consequence: missense variant.
Genome position (GRCh38, 1-based): chr6:31,959,380, C>G. VCF-style: chr6-31959380-C-G. GRCh37 (hg19) VCF-style: chr6-31927157-C-G.
Other names: short protein forms P36A.
Identifiers: ClinVar variation 1963114 (VCV001963114.2), dbSNP rs1772334213, ClinGen allele CA363433186.
Genomic context (GRCh38, chr6:31,959,380, plus strand): 5'-GACCTACCCCTTCGGGCCGTGGAGCTCGGATGCACGGGGCACTGGGAGCTGCTGAACTTG[C>G]CTGGAGCTCCAGAGAGTAGCGTGAGTGACTTTTGACCCTAACCTTTGACCCGCATTGAGT-3'
Protein context (NP_008860.4, residues 26-46): CTGHWELLNL[Pro36Ala]GAPESSLPHG

ClinVar aggregate classification (germline): Uncertain significance (1 of 4 stars; one submission).

gnomAD v4.1: 2 of 1,613,154 alleles (0.00012%); highest among the groups gnomAD compares: Non-Finnish European, 0.00017%; no homozygotes.

Submission:

Labcorp Genetics (formerly Invitae), Labcorp
Classification: Uncertain significance. Last evaluated: 2022-09-27. Review status: criteria provided, single submitter. Criteria: Invitae Variant Classification Sherloc (09022015). Collection method: clinical testing. Allele origin: germline.
Comment: This sequence change replaces proline, which is neutral and non-polar, with alanine, which is neutral and non-polar, at codon 36 of the SKIV2L protein (p.Pro36Ala). This variant is not present in population databases (gnomAD no frequency). This variant has not been reported in the literature in individuals affected with SKIV2L-related conditions. Algorithms developed to predict the effect of missense changes on protein structure and function (SIFT, PolyPhen-2, Align-GVGD) all suggest that this variant is likely to be tolerated. In summary, the available evidence is currently insufficient to determine the role of this variant in disease. Therefore, it has been classified as a Variant of Uncertain Significance.